The following is an entry in ClinVar:

ClinVar aggregate classification (germline): Uncertain significance (1 of 4 stars; one submission).

Conditions:
Inflammatory bowel disease. Identifiers: Orphanet 104012, MedGen C0021390, MONDO:0005265.

Submission:

Labcorp Genetics (formerly Invitae), Labcorp
Classification: Uncertain significance for Inflammatory bowel disease. Last evaluated: 2026-01-12. Review status: criteria provided, single submitter. Criteria: Invitae Variant Classification Sherloc (09022015). Collection method: clinical testing. Allele origin: germline.
Comment: This sequence change replaces serine, which is neutral and polar, with asparagine, which is neutral and polar, at codon 49 of the IL10 protein (p.Ser49Asn). This variant is not present in population databases (gnomAD no frequency). This variant has not been reported in the literature in individuals affected with IL10-related conditions. ClinVar contains an entry for this variant (Variation ID: 3623102). An algorithm developed to predict the effect of missense changes on protein structure and function outputs the following: PolyPhen-2: "Benign". The asparagine amino acid residue is found in multiple mammalian species, which suggests that this missense change does not adversely affect protein function. In summary, the available evidence is currently insufficient to determine the role of this variant in disease. Therefore, it has been classified as a Variant of Uncertain Significance.

NM_000572.3(IL10):c.146G>A (p.Ser49Asn)

Genes: IL10 (interleukin 10; minus strand), IL19 (interleukin 19; plus strand), LOC128462409 (CRISPRi-FlowFISH-validated IL10 regulatory element GRCh37_chr1:206945468-206946089; plus strand). Cytogenetic location: 1q32.1.
Variant type: single nucleotide variant.
Coding change: c.146G>A on transcript NM_000572.3 (MANE Select); coding-DNA position 146, G replaced by A.
Protein change: p.Ser49Asn; replaces serine 49 with asparagine.
Molecular consequence: missense variant. On other transcripts: non-coding transcript variant (1), intron variant (2).
Genome position (GRCh38, 1-based): chr1:206,772,290, C>T on the plus strand (G>A on the coding strand, the complement: IL10 is on the minus strand). VCF-style: chr1-206772290-C-T. GRCh37 (hg19) VCF-style: chr1-206945635-C-T.
Other names: c.-149+1212C>T (NM_153758.5); c.-149+1460C>T (NM_001393490.1); short protein forms S49N.
Identifiers: ClinVar variation 3623102 (VCV003623102.2).
Genomic context (GRCh38, chr1:206,772,290, plus strand): 5'-GTCCCAGGAAGAGAGAAAGGACAGGAAGGAATCATACTCACAAAGAAAGTCTTCACTCTG[C>T]TGAAGGCATCTCGGAGATCTCGAAGCATGTTAGGCAGGTTGCCTGGGAAGTGGGTGCAGC-3'
Protein context (NP_000563.1, residues 39-59): NMLRDLRDAF[Ser49Asn]RVKTFFQMKD